The following is an entry in ClinVar:

NM_181672.3(OGT):c.1241C>G (p.Ala414Gly)

Gene: OGT (O-linked N-acetylglucosamine (GlcNAc) transferase; plus strand). Cytogenetic location: Xq13.1.
Variant type: single nucleotide variant.
Coding change: c.1241C>G on transcript NM_181672.3 (MANE Select); coding-DNA position 1241, C replaced by G.
Protein change: p.Ala414Gly; replaces alanine 414 with glycine.
Molecular consequence: missense variant.
Genome position (GRCh38, 1-based): chrX:71,557,026, C>G. VCF-style: chrX-71557026-C-G. GRCh37 (hg19) VCF-style: chrX-70776876-C-G.
Other names: c.1211C>G, p.Ala404Gly (NM_181673.3); short protein forms A404G, A414G.
Identifiers: ClinVar variation 4796666 (VCV004796666.1).
Genomic context (GRCh38, chrX:71,557,026, plus strand): 5'-TTGCTGATGCCTACTCTAATATGGGAAACACTCTAAAGGAGATGCAGGATGTTCAGGGAG[C>G]CTTGCAGTGTTATACGCGTGCCATCCAAATTAATCCTGCATTTGCAGATGCACATAGCAA-3'
Protein context (NP_858058.1, residues 404-424): TLKEMQDVQG[Ala414Gly]LQCYTRAIQI

ClinVar aggregate classification (germline): Uncertain significance (1 of 4 stars; one submission).

Submission:

GeneDx
Classification: Uncertain significance. Last evaluated: 2025-08-21. Review status: criteria provided, single submitter. Criteria: GeneDx Variant Classification Process June 2021. Collection method: clinical testing. Allele origin: germline. Affected: yes.
Comment: Not observed at significant frequency in large population cohorts (gnomAD); In silico analysis supports that this missense variant has a deleterious effect on protein structure/function; Has not been previously published as pathogenic or benign to our knowledge